The following is an entry in ClinVar:

NM_001369268.1(ACAN):c.751A>C (p.Met251Leu)

Gene: ACAN (aggrecan; plus strand). Cytogenetic location: 15q26.1.
Variant type: single nucleotide variant.
Coding change: c.751A>C on transcript NM_001369268.1 (MANE Select); coding-DNA position 751, A replaced by C.
Protein change: p.Met251Leu; replaces methionine 251 with leucine.
Molecular consequence: missense variant.
Genome position (GRCh38, 1-based): chr15:88,841,861, A>C. VCF-style: chr15-88841861-A-C. GRCh37 (hg19) VCF-style: chr15-89385092-A-C.
Other names: c.751A>C, p.Met251Leu (NM_001135.4, NM_001411096.1, NM_001411097.1 and 1 more transcripts); short protein forms M251L.
Identifiers: ClinVar variation 2963739 (VCV002963739.3), dbSNP rs774343061, ClinGen allele CA7719338.
Genomic context (GRCh38, chr15:88,841,861, plus strand): 5'-AGGACGTATGGCATCCGAGACACCAACGAGACCTATGATGTGTACTGCTTCGCCGAGGAG[A>C]TGGAGGGTGAGCTGCCCTGCCCACCAGGAGGCACCCAGCTCCCTTCCCAAGGCCACCTTC-3'
Protein context (NP_001356197.1, residues 241-261): TYDVYCFAEE[Met251Leu]EGEVFYATSP

ClinVar aggregate classification (germline): Uncertain significance (1 of 4 stars; one submission).

Allele frequency attached by ClinVar (database versions not stated): TOPMed below 0.00001; ExAC 0.00001.
gnomAD v4.1: 2 of 1,611,260 alleles (0.00012%); highest among the groups gnomAD compares: Admixed American, 0.0034%; no homozygotes.

Submission:

Labcorp Genetics (formerly Invitae), Labcorp
Classification: Uncertain significance. Last evaluated: 2025-05-12. Review status: criteria provided, single submitter. Criteria: Invitae Variant Classification Sherloc (09022015). Collection method: clinical testing. Allele origin: germline.
Comment: This sequence change replaces methionine, which is neutral and non-polar, with leucine, which is neutral and non-polar, at codon 251 of the ACAN protein (p.Met251Leu). This variant is present in population databases (rs774343061, gnomAD 0.006%). This variant has not been reported in the literature in individuals affected with ACAN-related conditions. ClinVar contains an entry for this variant (Variation ID: 2963739). Invitae Evidence Modeling of protein sequence and biophysical properties (such as structural, functional, and spatial information, amino acid conservation, physicochemical variation, residue mobility, and thermodynamic stability) indicates that this missense variant is not expected to disrupt ACAN protein function with a negative predictive value of 80%. In summary, the available evidence is currently insufficient to determine the role of this variant in disease. Therefore, it has been classified as a Variant of Uncertain Significance.